The following is an entry in ClinVar:

NM_024649.5(BBS1):c.575A>G (p.Asn192Ser)

Gene: BBS1 (Bardet-Biedl syndrome 1; plus strand). Cytogenetic location: 11q13.2.
Variant type: single nucleotide variant.
Coding change: c.575A>G on transcript NM_024649.5 (MANE Select); coding-DNA position 575, A replaced by G.
Protein change: p.Asn192Ser; replaces asparagine 192 with serine.
Molecular consequence: missense variant.
Genome position (GRCh38, 1-based): chr11:66,515,917, A>G. VCF-style: chr11-66515917-A-G. GRCh37 (hg19) VCF-style: chr11-66283388-A-G.
Other names: short protein forms N192S.
Identifiers: ClinVar variation 949137 (VCV000949137.8), dbSNP rs1207942097, ClinGen allele CA381457620.

ClinVar aggregate classification (germline): Uncertain significance. Review status: criteria provided, single submitter (1 of 4 stars). 2 submissions from 2 submitters: Uncertain significance (1). 1 of the submissions does not count toward it. Last evaluated 2024-09-30.

Conditions:
Bardet-Biedl syndrome (BBS). Identifiers: Orphanet 110, MedGen C0752166, MONDO:0015229.
Bardet-Biedl syndrome 1 (BBS1). Identifiers: MedGen C2936862, MONDO:0008854, OMIM 209900. Disease mechanism: loss of function.

Allele frequency attached by ClinVar (database versions not stated): gnomAD exomes below 0.00001; gnomAD 0.00001; TOPMed 0.00001.
gnomAD v4.1: 4 of 1,613,892 alleles (0.00025%); highest among the groups gnomAD compares: Admixed American, 0.0017%; no homozygotes.

Submissions (2):

Labcorp Genetics (formerly Invitae), Labcorp
Classification: Uncertain significance for Bardet-Biedl syndrome. Last evaluated: 2024-09-30. Review status: criteria provided, single submitter. Criteria: Invitae Variant Classification Sherloc (09022015). Collection method: clinical testing. Allele origin: germline.
Comment: This sequence change replaces asparagine, which is neutral and polar, with serine, which is neutral and polar, at codon 192 of the BBS1 protein (p.Asn192Ser). This variant is present in population databases (no rsID available, gnomAD 0.003%). This variant has not been reported in the literature in individuals affected with BBS1-related conditions. ClinVar contains an entry for this variant (Variation ID: 949137). Invitae Evidence Modeling of protein sequence and biophysical properties (such as structural, functional, and spatial information, amino acid conservation, physicochemical variation, residue mobility, and thermodynamic stability) indicates that this missense variant is not expected to disrupt BBS1 protein function with a negative predictive value of 80%. In summary, the available evidence is currently insufficient to determine the role of this variant in disease. Therefore, it has been classified as a Variant of Uncertain Significance.

Natera, Inc.
Classification: Uncertain significance for Bardet-Biedl syndrome type 1. Last evaluated: 2020-05-27. Review status: no assertion criteria provided. Collection method: clinical testing. Allele origin: germline. Not counted in ClinVar's aggregate classification.